The following is an entry in ClinVar:

NM_032578.4(MYPN):c.3413A>T (p.Gln1138Leu)

Gene: MYPN (myopalladin; plus strand). Cytogenetic location: 10q21.3.
Variant type: single nucleotide variant.
Coding change: c.3413A>T on transcript NM_032578.4 (MANE Select); coding-DNA position 3413, A replaced by T.
Protein change: p.Gln1138Leu; replaces glutamine 1138 with leucine.
Molecular consequence: missense variant. On other transcripts: non-coding transcript variant (2).
Genome position (GRCh38, 1-based): chr10:68,199,495, A>T. VCF-style: chr10-68199495-A-T. GRCh37 (hg19) VCF-style: chr10-69959252-A-T.
Other names: c.3413A>T, p.Gln1138Leu (NM_001256267.2); c.2531A>T, p.Gln844Leu (NM_001256268.2); short protein forms Q1138L, Q844L.
Identifiers: ClinVar variation 3228170 (VCV003228170.1), dbSNP rs2495966918, ClinGen allele CA376859272.
Genomic context (GRCh38, chr10:68,199,495, plus strand): 5'-CCCACAAGATGCTGGTCAGGGAGACCGGAGTCCACTCTCTGCTCATTGACCCACTCACTC[A>T]GCGCGACGCAGGGACCTATAAGTGCATCGCTACCAACAAAACCGGGCAGAATTCTTTTAG-3'
Protein context (NP_115967.2, residues 1128-1148): VHSLLIDPLT[Gln1138Leu]RDAGTYKCIA

ClinVar aggregate classification (germline): Uncertain significance (1 of 4 stars; one submission).

Conditions:
Cardiovascular phenotype. Identifiers: MedGen CN230736.

Allele frequency attached by ClinVar (database versions not stated): gnomAD exomes below 0.00001.
gnomAD v4.1: 1 of 1,614,186 alleles (0.000062%); no homozygotes.

Submission:

Ambry Genetics
Classification: Uncertain significance for Cardiovascular phenotype. Last evaluated: 2023-12-22. Review status: criteria provided, single submitter. Criteria: Ambry Variant Classification Scheme 2023. Collection method: clinical testing. Allele origin: germline.
Comment: The p.Q1138L variant (also known as c.3413A>T), located in coding exon 16 of the MYPN gene, results from an A to T substitution at nucleotide position 3413. The glutamine at codon 1138 is replaced by leucine, an amino acid with dissimilar properties. This amino acid position is conserved. In addition, this alteration is predicted to be tolerated by in silico analysis. Since supporting evidence is limited at this time, the clinical significance of this alteration remains unclear.